The following is an entry in ClinVar:

NM_001164508.2(NEB):c.13138A>T (p.Lys4380Ter)

Gene: NEB (nebulin; minus strand). Cytogenetic location: 2q23.3.
Variant type: single nucleotide variant.
Coding change: c.13138A>T on transcript NM_001164508.2 (MANE Select); coding-DNA position 13138, A replaced by T.
Protein change: p.Lys4380Ter; replaces lysine 4380 with a stop codon.
Molecular consequence: nonsense. On other transcripts: intron variant (1).
Genome position (GRCh38, 1-based): chr2:151,603,694, T>A on the plus strand (A>T on the coding strand, the complement: NEB is on the minus strand). VCF-style: chr2-151603694-T-A. GRCh37 (hg19) VCF-style: chr2-152460208-T-A.
Other names: c.13138A>T, p.Lys4380Ter (NM_001271208.2, NM_001164507.2); c.11601+6115A>T (NM_004543.5); short protein forms K4380*.
Identifiers: ClinVar variation 4814721 (VCV004814721.1).

ClinVar aggregate classification (germline): Likely pathogenic (1 of 4 stars; one submission).

Conditions:
Nemaline myopathy 2 (NEM2). Also called: Nemaline myopathy 2, autosomal recessive. Identifiers: MedGen C1850569, MONDO:0009725, OMIM 256030.

Submission:

Natera, Inc.
Classification: Likely pathogenic for Nemaline myopathy type 2. Last evaluated: 2024-04-16. Review status: criteria provided, single submitter. Criteria: Natera Variant Classification Schema (03/2026). Collection method: clinical testing. Allele origin: germline.
Comment: The c.13138A>T variant in NEB is a nonsense variant predicted to introduce a stop codon at amino acid 4380. This variant is expected to result in nonsense mediated decay, truncation, or a dysfunctional protein product. This variant is rare in the general population with a frequency below the threshold expected for the associated phenotype(s). Given the available evidence, this variant is classified as Likely Pathogenic.